The following is an entry in ClinVar:

NM_001205293.3(CACNA1E):c.3505G>A (p.Ala1169Thr)

Gene: CACNA1E (calcium voltage-gated channel subunit alpha1 E; plus strand). Cytogenetic location: 1q25.3.
Variant type: single nucleotide variant.
Coding change: c.3505G>A on transcript NM_001205293.3 (MANE Select); coding-DNA position 3505, G replaced by A.
Protein change: p.Ala1169Thr; replaces alanine 1169 with threonine.
Molecular consequence: missense variant.
Genome position (GRCh38, 1-based): chr1:181,737,607, G>A. VCF-style: chr1-181737607-G-A. GRCh37 (hg19) VCF-style: chr1-181706743-G-A.
Other names: c.3505G>A (NM_001205293.1, NM_000721.3); c.3505G>A, p.Ala1169Thr (NM_000721.4); c.3448G>A, p.Ala1150Thr (NM_001205294.2); short protein forms A1150T, A1169T.
Identifiers: ClinVar variation 1953322 (VCV001953322.8), dbSNP rs769961549, ClinGen allele CA1275580.

ClinVar aggregate classification (germline): Conflicting classifications of pathogenicity. Review status: criteria provided, conflicting classifications (1 of 4 stars). 4 submissions from 4 submitters: Uncertain significance (3); Likely benign (1). Last evaluated 2025-10-21.

Conditions:
Developmental and epileptic encephalopathy, 69. Also called: EPILEPTIC ENCEPHALOPATHY, EARLY INFANTILE, 69. Identifiers: MedGen C4748988, MONDO:0032657, OMIM 618285.
Inborn genetic diseases. Identifiers: MedGen C0950123, MeSH D030342.

Allele frequency attached by ClinVar (database versions not stated): ExAC 0.00002; gnomAD 0.00003; TOPMed 0.00003.
gnomAD v4.1: 60 of 1,613,826 alleles (0.0037%); highest among the groups gnomAD compares: African/African-American, 0.0053%; no homozygotes.

Submissions (4):

Labcorp Genetics (formerly Invitae), Labcorp
Classification: Uncertain significance. Last evaluated: 2025-10-21. Review status: criteria provided, single submitter. Criteria: Invitae Variant Classification Sherloc (09022015). Collection method: clinical testing. Allele origin: germline.
Comment: This sequence change replaces alanine, which is neutral and non-polar, with threonine, which is neutral and polar, at codon 1169 of the CACNA1E protein (p.Ala1169Thr). This variant is present in population databases (rs769961549, gnomAD 0.005%). This variant has not been reported in the literature in individuals affected with CACNA1E-related conditions. ClinVar contains an entry for this variant (Variation ID: 1953322). Invitae Evidence Modeling of protein sequence and biophysical properties (such as structural, functional, and spatial information, amino acid conservation, physicochemical variation, residue mobility, and thermodynamic stability) has been performed for this missense variant. However, the output from this modeling did not meet the statistical confidence thresholds required to predict the impact of this variant on CACNA1E protein function. In summary, the available evidence is currently insufficient to determine the role of this variant in disease. Therefore, it has been classified as a Variant of Uncertain Significance.

Ambry Genetics
Classification: Likely benign for Inborn genetic diseases. Last evaluated: 2025-09-05. Review status: criteria provided, single submitter. Criteria: Ambry Variant Classification Scheme 2023. Collection method: clinical testing. Allele origin: germline.

GeneDx
Classification: Uncertain significance. Last evaluated: 2023-05-10. Review status: criteria provided, single submitter. Criteria: GeneDx Variant Classification Process June 2021. Collection method: clinical testing. Allele origin: germline. Affected: yes.
Comment: In silico analysis supports that this missense variant has a deleterious effect on protein structure/function; Has not been previously published as pathogenic or benign to our knowledge

Genome-Nilou Lab
Classification: Uncertain significance for Developmental and epileptic encephalopathy, 69. Last evaluated: 2023-04-11. Review status: criteria provided, single submitter. Criteria: ACMG Guidelines, 2015. Collection method: clinical testing. Allele origin: germline. Affected: no.